The following is an entry in ClinVar:

NM_030752.3(TCP1):c.1457T>C (p.Ile486Thr)

Gene: TCP1 (t-complex 1; minus strand). Cytogenetic location: 6q25.3.
Variant type: single nucleotide variant.
Coding change: c.1457T>C on transcript NM_030752.3 (MANE Select); coding-DNA position 1457, T replaced by C.
Protein change: p.Ile486Thr; replaces isoleucine 486 with threonine.
Molecular consequence: missense variant.
Genome position (GRCh38, 1-based): chr6:159,779,259, A>G on the plus strand (T>C on the coding strand, the complement: TCP1 is on the minus strand). VCF-style: chr6-159779259-A-G. GRCh37 (hg19) VCF-style: chr6-160200291-A-G.
Other names: c.992T>C, p.Ile331Thr (NM_001008897.2); short protein forms I331T, I486T.
Identifiers: ClinVar variation 4884952 (VCV004884952.2).

ClinVar aggregate classification (germline): Uncertain significance (1 of 4 stars; one submission).

Submission:

Dasa
Classification: Uncertain significance. Last evaluated: 2025-11-27. Review status: criteria provided, single submitter. Criteria: DASA Assertion Criteria. Collection method: clinical testing. Allele origin: germline.
Comment: NM_030752.3(TCP1):c.1457T>C (p.Ile486Thr) is a missense variant that results in the substitution of isoleucine with threonine. This variant is absent from population databases. The currently available literature and clinical evidence are not sufficient to establish a definitive association between this variant and the reported condition. Therefore, this variant is classified as a variant of uncertain significance.